The following is an entry in ClinVar:

NM_002206.3(ITGA7):c.2983G>A (p.Glu995Lys)

Gene: ITGA7 (integrin subunit alpha 7; minus strand). Cytogenetic location: 12q13.2.
Variant type: single nucleotide variant.
Coding change: c.2983G>A on transcript NM_002206.3 (MANE Select); coding-DNA position 2983, G replaced by A.
Protein change: p.Glu995Lys; replaces glutamic acid 995 with lysine.
Molecular consequence: missense variant.
Genome position (GRCh38, 1-based): chr12:55,688,276, C>T on the plus strand (G>A on the coding strand, the complement: ITGA7 is on the minus strand). VCF-style: chr12-55688276-C-T. GRCh37 (hg19) VCF-style: chr12-56082060-C-T.
Other names: c.2995G>A, p.Glu999Lys (NM_001144996.2); c.2704G>A, p.Glu902Lys (NM_001144997.2); c.2656G>A, p.Glu886Lys (NM_001367993.1); c.1639G>A, p.Glu547Lys (NM_001367994.1); c.2965G>A, p.Glu989Lys (NM_001374465.1); c.3115G>A, p.Glu1039Lys (NM_001410977.1); c.2977G>A, p.Glu993Lys (NM_001414029.1); c.2908G>A, p.Glu970Lys (NM_001414030.1); and 6 more; short protein forms E547K, E886K, E902K, E989K, E995K, E999K, E1039K, E882K.
Identifiers: ClinVar variation 1005128 (VCV001005128.7), dbSNP rs765253422, ClinGen allele CA6615384.

ClinVar aggregate classification (germline): Uncertain significance. Review status: criteria provided, multiple submitters, no conflicts (2 of 4 stars). 2 submissions from 2 submitters: Uncertain significance (2). Last evaluated 2024-12-05.

Conditions:
Congenital muscular dystrophy due to integrin alpha-7 deficiency. Also called: Congenital muscular dystrophy with integrin alpha-7 deficiency; Muscular dystrophy, congenital, due to ITGA7 deficiency; MYOPATHY, CONGENITAL, DUE TO INTEGRIN ALPHA-7 DEFICIENCY. Identifiers: Orphanet 34520, MedGen C2750786, MONDO:0013177, OMIM 613204.

Allele frequency attached by ClinVar (database versions not stated): gnomAD 0.00001; gnomAD exomes 0.00001 and 0.00002; TOPMed 0.00001; ExAC 0.00002.
gnomAD v4.1: 9 of 1,613,890 alleles (0.00056%); highest among the groups gnomAD compares: Admixed American, 0.015%; no homozygotes.

Submissions (2):

Ambry Genetics
Classification: Uncertain significance. Last evaluated: 2024-12-05. Review status: criteria provided, single submitter. Criteria: Ambry Variant Classification Scheme 2023. Collection method: clinical testing. Allele origin: germline.

Labcorp Genetics (formerly Invitae), Labcorp
Classification: Uncertain significance for Congenital muscular dystrophy due to integrin alpha-7 deficiency. Last evaluated: 2022-08-15. Review status: criteria provided, single submitter. Criteria: Invitae Variant Classification Sherloc (09022015). Collection method: clinical testing. Allele origin: germline.
Comment: This sequence change replaces glutamic acid, which is acidic and polar, with lysine, which is basic and polar, at codon 995 of the ITGA7 protein (p.Glu995Lys). This variant is present in population databases (rs765253422, gnomAD 0.01%). This variant has not been reported in the literature in individuals affected with ITGA7-related conditions. ClinVar contains an entry for this variant (Variation ID: 1005128). Algorithms developed to predict the effect of missense changes on protein structure and function (SIFT, PolyPhen-2, Align-GVGD) all suggest that this variant is likely to be tolerated. In summary, the available evidence is currently insufficient to determine the role of this variant in disease. Therefore, it has been classified as a Variant of Uncertain Significance.